The following is an entry in ClinVar:

ClinVar aggregate classification (germline): Likely benign. Review status: criteria provided, multiple submitters, no conflicts (2 of 4 stars). 2 submissions from 2 submitters: Likely benign (2). Last evaluated 2025-02-20.

Conditions:
Breast-ovarian cancer, familial, susceptibility to, 4. Identifiers: Orphanet 145, MedGen C3280345, MONDO:0013669, OMIM 614291.

Submissions (2):

Myriad Genetics, Inc.
Classification: Likely benign for Breast-ovarian cancer, familial, susceptibility to, 4. Last evaluated: 2025-02-20. Review status: criteria provided, single submitter. Criteria: Myriad Autosomal Dominant, Autosomal Recessive and X-Linked Classification Criteria (2023). Collection method: clinical testing. Allele origin: unknown.
Comment: This variant is considered likely benign. This variant is intronic and is not expected to impact mRNA splicing.

Labcorp Genetics (formerly Invitae), Labcorp
Classification: Likely benign for Breast-ovarian cancer, familial, susceptibility to, 4. Last evaluated: 2023-06-16. Review status: criteria provided, single submitter. Criteria: Invitae Variant Classification Sherloc (09022015). Collection method: clinical testing. Allele origin: germline.

NM_002878.4(RAD51D):c.144+7T>G

Genes: RAD51L3-RFFL (RAD51L3-RFFL readthrough; minus strand), RAD51D (RAD51 paralog D; minus strand). Cytogenetic location: 17q12.
Variant type: single nucleotide variant.
Coding change: c.144+7T>G on transcript NM_002878.4 (MANE Select); 7 bases into the intron after coding-DNA position 144, T replaced by G.
Molecular consequence: intron variant.
Genome position (GRCh38, 1-based): chr17:35,119,104, A>C on the plus strand (T>G on the coding strand, the complement: RAD51D is on the minus strand). VCF-style: chr17-35119104-A-C. GRCh37 (hg19) VCF-style: chr17-33446123-A-C.
Other names: c.144+7T>G (NM_133629.3, NM_001142571.2).
Identifiers: ClinVar variation 1141452 (VCV001141452.10), dbSNP rs2142477052, ClinGen allele CA2499224284.